The following is an entry in ClinVar:

NM_003672.4(CDC14A):c.298G>T (p.Gly100Cys)

Gene: CDC14A (cell division cycle 14A; plus strand). Cytogenetic location: 1p21.2.
Variant type: single nucleotide variant.
Coding change: c.298G>T on transcript NM_003672.4 (MANE Select); coding-DNA position 298, G replaced by T.
Protein change: p.Gly100Cys; replaces glycine 100 with cysteine.
Molecular consequence: missense variant. On other transcripts: 5 prime UTR variant (1).
Genome position (GRCh38, 1-based): chr1:100,390,813, G>T. VCF-style: chr1-100390813-G-T. GRCh37 (hg19) VCF-style: chr1-100856369-G-T.
Other names: c.298G>T, p.Gly100Cys (NM_001319210.2, NM_033312.3, NM_033313.3); c.124G>T, p.Gly42Cys (NM_001319211.2); c.-494G>T (NM_001319212.2); short protein forms G100C, G42C.
Identifiers: ClinVar variation 3771819 (VCV003771819.13).

ClinVar aggregate classification (germline): Uncertain significance (1 of 4 stars; one submission).

gnomAD v4.1: 8 of 1,609,210 alleles (0.0005%); highest among the groups gnomAD compares: African/African-American, 0.0013%; no homozygotes.

Submission:

CeGaT Center for Human Genetics Tuebingen
Classification: Uncertain significance. Last evaluated: 2025-01-01. Review status: criteria provided, single submitter. Criteria: CeGaT Center For Human Genetics Tuebingen Variant Classification Criteria Version 2. Collection method: clinical testing. Allele origin: germline. Affected: yes. Observed: 1 variant allele.
Comment: CDC14A: PM2